The following is an entry in ClinVar:

ClinVar aggregate classification (germline): Uncertain significance (1 of 4 stars; one submission).

Conditions:
Hereditary hemochromatosis (HFE). Identifiers: MedGen C0392514, MONDO:0006507. Disease mechanism: loss of function.

Allele frequency attached by ClinVar (database versions not stated): TOPMed below 0.00001; gnomAD 0.00001.
gnomAD v4.1: 1 of 1,614,056 alleles (0.000062%); highest among the groups gnomAD compares: Non-Finnish European, 0.000085%; no homozygotes.

Submission:

Labcorp Genetics (formerly Invitae), Labcorp
Classification: Uncertain significance for Hereditary hemochromatosis. Last evaluated: 2023-04-09. Review status: criteria provided, single submitter. Criteria: Invitae Variant Classification Sherloc (09022015). Collection method: clinical testing. Allele origin: germline.
Comment: Advanced modeling of protein sequence and biophysical properties (such as structural, functional, and spatial information, amino acid conservation, physicochemical variation, residue mobility, and thermodynamic stability) performed at Invitae indicates that this missense variant is expected to disrupt HFE protein function. This sequence change replaces alanine, which is neutral and non-polar, with proline, which is neutral and non-polar, at codon 227 of the HFE protein (p.Ala227Pro). This variant is not present in population databases (gnomAD no frequency). This variant has not been reported in the literature in individuals affected with HFE-related conditions. In summary, the available evidence is currently insufficient to determine the role of this variant in disease. Therefore, it has been classified as a Variant of Uncertain Significance.

NM_000410.4(HFE):c.679G>C (p.Ala227Pro)

Gene: HFE (homeostatic iron regulator; plus strand). Cytogenetic location: 6p22.2.
Variant type: single nucleotide variant.
Coding change: c.679G>C on transcript NM_000410.4 (MANE Select); coding-DNA position 679, G replaced by C.
Protein change: p.Ala227Pro; replaces alanine 227 with proline.
Molecular consequence: missense variant. On other transcripts: intron variant (1).
Genome position (GRCh38, 1-based): chr6:26,092,747, G>C. VCF-style: chr6-26092747-G-C. GRCh37 (hg19) VCF-style: chr6-26092975-G-C.
Other names: c.679G>C, p.Ala227Pro (NM_001300749.3, NM_001384164.1); c.670G>C, p.Ala224Pro (NM_001406751.1); c.415G>C, p.Ala139Pro (NM_001406752.1, NM_139007.3); c.361G>C, p.Ala121Pro (NM_139003.3); c.403G>C, p.Ala135Pro (NM_139004.3); c.637G>C, p.Ala213Pro (NM_139006.3); c.373G>C, p.Ala125Pro (NM_139008.3); c.610G>C, p.Ala204Pro (NM_139009.3); and 2 more; short protein forms A135P, A204P, A224P, A121P, A227P, A47P, A125P, A139P.
Identifiers: ClinVar variation 2919212 (VCV002919212.3), dbSNP rs1352793260, ClinGen allele CA363207751.